The following is an entry in ClinVar:

NM_006361.6(HOXB13):c.8C>A (p.Pro3His)

Gene: HOXB13 (homeobox B13; minus strand). Cytogenetic location: 17q21.32.
Variant type: single nucleotide variant.
Coding change: c.8C>A on transcript NM_006361.6 (MANE Select); coding-DNA position 8, C replaced by A.
Protein change: p.Pro3His; replaces proline 3 with histidine.
Molecular consequence: missense variant.
Genome position (GRCh38, 1-based): chr17:48,728,586, G>T on the plus strand (C>A on the coding strand, the complement: HOXB13 is on the minus strand). VCF-style: chr17-48728586-G-T. GRCh37 (hg19) VCF-style: chr17-46805948-G-T.
Other names: short protein forms P3H.
Identifiers: ClinVar variation 1487614 (VCV001487614.8), dbSNP rs2143075958, ClinGen allele CA400110000.

ClinVar aggregate classification (germline): Uncertain significance. Review status: criteria provided, multiple submitters, no conflicts (2 of 4 stars). 2 submissions from 2 submitters: Uncertain significance (2). Last evaluated 2021-12-12.

Conditions:
Hereditary cancer-predisposing syndrome. Also called: Hereditary neoplastic syndrome; Neoplastic Syndromes, Hereditary; Hereditary Cancer Syndrome; Tumor predisposition. Identifiers: Orphanet 140162, MedGen C0027672, MeSH D009386, MONDO:0015356.

Submissions (2):

Ambry Genetics
Classification: Uncertain significance for Hereditary cancer-predisposing syndrome. Last evaluated: 2021-12-12. Review status: criteria provided, single submitter. Criteria: Ambry Variant Classification Scheme 2023. Collection method: clinical testing. Allele origin: germline.
Comment: The p.P3H variant (also known as c.8C>A), located in coding exon 1 of the HOXB13 gene, results from a C to A substitution at nucleotide position 8. The proline at codon 3 is replaced by histidine, an amino acid with similar properties. This amino acid position is conserved. In addition, this alteration is predicted to be tolerated by in silico analysis. Since supporting evidence is limited at this time, the clinical significance of this alteration remains unclear.

Labcorp Genetics (formerly Invitae), Labcorp
Classification: Uncertain significance. Last evaluated: 2021-08-31. Review status: criteria provided, single submitter. Criteria: Invitae Variant Classification Sherloc (09022015). Collection method: clinical testing. Allele origin: germline.
Comment: This sequence change replaces proline with histidine at codon 3 of the HOXB13 protein (p.Pro3His). The proline residue is moderately conserved and there is a moderate physicochemical difference between proline and histidine. This variant is not present in population databases (ExAC no frequency). This variant has not been reported in the literature in individuals affected with HOXB13-related conditions. Algorithms developed to predict the effect of missense changes on protein structure and function (SIFT, PolyPhen-2, Align-GVGD) all suggest that this variant is likely to be tolerated. In summary, the available evidence is currently insufficient to determine the role of this variant in disease. Therefore, it has been classified as a Variant of Uncertain Significance.